The following is an entry in ClinVar:

ClinVar aggregate classification (germline): Uncertain significance (1 of 4 stars; one submission).

Conditions:
Hereditary cancer-predisposing syndrome. Also called: Neoplastic Syndromes, Hereditary; Tumor predisposition; Hereditary neoplastic syndrome; Hereditary Cancer Syndrome. Identifiers: Orphanet 140162, MedGen C0027672, MeSH D009386, MONDO:0015356.

Submission:

Ambry Genetics
Classification: Uncertain significance for Hereditary cancer-predisposing syndrome. Last evaluated: 2026-09-06. Review status: criteria provided, single submitter. Criteria: Ambry Variant Classification Scheme 2023. Collection method: clinical testing. Allele origin: germline.
Comment: The p.D502V variant (also known as c.1505A>T), located in coding exon 12 of the POLD1 gene, results from an A to T substitution at nucleotide position 1505. The aspartic acid at codon 502 is replaced by valine, an amino acid with highly dissimilar properties. This amino acid position is conserved. In addition, this alteration is predicted to be tolerated by in silico analysis. Based on the available evidence, the clinical significance of this variant remains unclear.

NM_002691.4(POLD1):c.1505A>T (p.Asp502Val)

Gene: POLD1 (DNA polymerase delta 1, catalytic subunit; plus strand). Cytogenetic location: 19q13.33.
Variant type: single nucleotide variant.
Coding change: c.1505A>T on transcript NM_002691.4 (MANE Select); coding-DNA position 1505, A replaced by T.
Protein change: p.Asp502Val; replaces aspartic acid 502 with valine.
Molecular consequence: missense variant. On other transcripts: non-coding transcript variant (1).
Genome position (GRCh38, 1-based): chr19:50,406,993, A>T. VCF-style: chr19-50406993-A-T. GRCh37 (hg19) VCF-style: chr19-50910250-A-T.
Other names: c.1505A>T, p.Asp502Val (NM_001256849.1, NM_001308632.1, NM_001438210.1 and 3 more transcripts); short protein forms D502V.
Identifiers: ClinVar variation 5027016 (VCV005027016.1).